The following is an entry in ClinVar:

NM_003242.6(TGFBR2):c.-1C>T

Gene: TGFBR2 (transforming growth factor beta receptor 2; plus strand). Cytogenetic location: 3p24.1.
Variant type: single nucleotide variant.
Coding change: c.-1C>T on transcript NM_003242.6 (MANE Select); 1 bases upstream of the start codon, C replaced by T.
Molecular consequence: 5 prime UTR variant. On other transcripts: intron variant (2).
Genome position (GRCh38, 1-based): chr3:30,606,883, C>T. VCF-style: chr3-30606883-C-T. GRCh37 (hg19) VCF-style: chr3-30648375-C-T.
Other names: c.-1C>T (NM_001024847.3, NM_001407126.1, NM_001407127.1 and 4 more transcripts); c.-284C>T (NM_001407133.1); c.-162C>T (NM_001407134.1); c.-209C>T (NM_001407135.1); c.-294C>T (NM_001407136.1); c.-12+290C>T (NM_001407129.1, NM_001407132.1).
Identifiers: ClinVar variation 3075497 (VCV003075497.1), dbSNP rs2470443392, ClinGen allele CA2664866753.

ClinVar aggregate classification (germline): Uncertain significance (1 of 4 stars; one submission).

Conditions:
Loeys-Dietz syndrome 2 (LDS2). Also called: Marfan syndrome, type 2 (formerly); TGFBR2-Related Loeys-Dietz Syndrome; AORTIC ANEURYSM, FAMILIAL THORACIC 3; MARFAN SYNDROME, TYPE II; Marfan Syndrome type 2; Marfan like connective tissue disorder. Identifiers: Orphanet 284973, Orphanet 558, MedGen C2674574, MONDO:0012427, OMIM 610168.

Allele frequency attached by ClinVar (database versions not stated): gnomAD exomes below 0.00001.
gnomAD v4.1: 1 of 1,537,814 alleles (0.000065%); highest among the groups gnomAD compares: Non-Finnish European, 0.000088%; no homozygotes.

Submission:

All of Us Research Program, National Institutes of Health
Classification: Uncertain significance for Loeys-Dietz syndrome 2. Last evaluated: 2024-02-05. Review status: criteria provided, single submitter. Criteria: ACMG Guidelines, 2015. Collection method: clinical testing. Allele origin: germline. Inheritance: Autosomal dominant inheritance. Observed: 1 variant allele, 1 heterozygote.
Comment: This variant is located in the 5' untranslated region of the TGFBR2 gene. To our knowledge, functional studies have not been reported for this variant. This variant has not been reported in individuals affected with TGFBR2-related disorders in the literature. This variant has not been identified in the general population by the Genome Aggregation Database (gnomAD). The available evidence is insufficient to determine the role of this variant in disease conclusively. Therefore, this variant is classified as a Variant of Uncertain Significance.

This study involves interpretation of variants in research participants for the purpose of population health screening. Participant phenotype was not available at the time of variant classification. Additional details can be found in publication PMID: 35346344, PMCID: PMC8962531